The following is an entry in ClinVar:

Single allele

Variant type: Deletion.
Identifiers: ClinVar variation 156958 (VCV000156958.2).

ClinVar aggregate classification (germline): not provided (0 of 4 stars; one submission).

Conditions:
Large for gestational age. Identifiers: MedGen C1848395, HP:0001520.

Submission:

Institute of Molecular and Cell Biology, University of Tartu
No classification provided. Condition: Large for gestational age. Review status: no classification provided. Collection method: case-control. Allele origin: unknown. Affected: yes. Study: Kasak2014.
Comment: The study aimed to determine the contribution of copy number variants in the genetic etiology of normal and complicated pregnancies. The samples represented (i) maternal blood DNA drawn from healthy pregnant women during 1st or 2nd trimester and (ii) maternal and paternal blood DNA drawn at term pregnancy cases representing normal and complicated gestations (severe preeclampsia, PE; gestational diabetes, GD; small-for-gestational age newborn, SGA; large-for-gestational age newborn, LGA). We performed CNV calling based on genome-wide genotyping dataset (Illumina HumanOmniExpress-24-v1 BeadChip) by applying three algorithms, QuantiSNP, GADA (Genome Alteration Detection Algorithm) and CNstream in parallel. The acquired CNV calls were merged with HD-CNV (Hotspot Detector for Copy Number Variants) program and only the CNVs predicted by at least two programs, were considered in subsequent analysis.

Literature cited by the submitters: PubMed 25666259.